The following is an entry in ClinVar:

NM_015164.4(PLEKHM2):c.562G>A (p.Gly188Ser)

Gene: PLEKHM2 (pleckstrin homology and RUN domain containing M2; plus strand). Cytogenetic location: 1p36.21.
Variant type: single nucleotide variant.
Coding change: c.562G>A on transcript NM_015164.4 (MANE Select); coding-DNA position 562, G replaced by A.
Protein change: p.Gly188Ser; replaces glycine 188 with serine.
Molecular consequence: missense variant.
Genome position (GRCh38, 1-based): chr1:15,719,830, G>A. VCF-style: chr1-15719830-G-A. GRCh37 (hg19) VCF-style: chr1-16046325-G-A.
Other names: short protein forms G188S.
Identifiers: ClinVar variation 938679 (VCV000938679.9), dbSNP rs771166429, ClinGen allele CA616722.
Genomic context (GRCh38, chr1:15,719,830, plus strand): 5'-GACTACTACAAACCTCAGTACCTGCTGGACTTTGAAGACCGCCTTCCCAGCTCGGTCCAC[G>A]GCTCAGACAGTCTGTCCCTCAACTCTTTCAACTCCGTCACCTCCACCAACCTGGAGTGGG-3'
Protein context (NP_055979.2, residues 178-198): FEDRLPSSVH[Gly188Ser]SDSLSLNSFN

ClinVar aggregate classification (germline): Uncertain significance. Review status: criteria provided, multiple submitters, no conflicts (2 of 4 stars). 2 submissions from 2 submitters: Uncertain significance (2). Last evaluated 2023-08-24.

Conditions:
Dilated Cardiomyopathy, Recessive.

Allele frequency attached by ClinVar (database versions not stated): gnomAD exomes 0.00004 and 0.00002; TOPMed 0.00004; ExAC 0.00003; gnomAD 0.00004.
gnomAD v4.1: 58 of 1,613,668 alleles (0.0036%); highest among the groups gnomAD compares: South Asian, 0.0088%; no homozygotes.

Submissions (2):

Labcorp Genetics (formerly Invitae), Labcorp
Classification: Uncertain significance. Last evaluated: 2023-08-24. Review status: criteria provided, single submitter. Criteria: Invitae Variant Classification Sherloc (09022015). Collection method: clinical testing. Allele origin: germline.
Comment: This sequence change replaces glycine, which is neutral and non-polar, with serine, which is neutral and polar, at codon 188 of the PLEKHM2 protein (p.Gly188Ser). In summary, the available evidence is currently insufficient to determine the role of this variant in disease. Therefore, it has been classified as a Variant of Uncertain Significance. An algorithm developed to predict the effect of missense changes on protein structure and function (PolyPhen-2) suggests that this variant is likely to be disruptive. ClinVar contains an entry for this variant (Variation ID: 938679). This variant has not been reported in the literature in individuals affected with PLEKHM2-related conditions. This variant is present in population databases (rs771166429, gnomAD 0.01%).

Ambry Genetics
Classification: Uncertain significance. Last evaluated: 2023-02-06. Review status: criteria provided, single submitter. Criteria: Ambry Variant Classification Scheme 2023. Collection method: clinical testing. Allele origin: germline.